The following is an entry in ClinVar:

NM_002206.3(ITGA7):c.1534A>G (p.Ile512Val)

Gene: ITGA7 (integrin subunit alpha 7; minus strand). Cytogenetic location: 12q13.2.
Variant type: single nucleotide variant.
Coding change: c.1534A>G on transcript NM_002206.3 (MANE Select); coding-DNA position 1534, A replaced by G.
Protein change: p.Ile512Val; replaces isoleucine 512 with valine.
Molecular consequence: missense variant.
Genome position (GRCh38, 1-based): chr12:55,697,249, T>C on the plus strand (A>G on the coding strand, the complement: ITGA7 is on the minus strand). VCF-style: chr12-55697249-T-C. GRCh37 (hg19) VCF-style: chr12-56091033-T-C.
Other names: c.1546A>G, p.Ile516Val (NM_001144996.2, NM_001414029.1); c.1255A>G, p.Ile419Val (NM_001144997.2); c.1207A>G, p.Ile403Val (NM_001367993.1); c.190A>G, p.Ile64Val (NM_001367994.1); c.1534A>G, p.Ile512Val (NM_001374465.1, NM_001414034.1); c.1666A>G, p.Ile556Val (NM_001410977.1); c.1459A>G, p.Ile487Val (NM_001414030.1); c.1447A>G, p.Ile483Val (NM_001414031.1); and 3 more; short protein forms I403V, I419V, I512V, I516V, I64V, I556V, I399V, I483V.
Identifiers: ClinVar variation 1015645 (VCV001015645.8), dbSNP rs767276735, ClinGen allele CA6615922.

ClinVar aggregate classification (germline): Uncertain significance (1 of 4 stars; one submission).

Conditions:
Congenital muscular dystrophy due to integrin alpha-7 deficiency. Also called: MYOPATHY, CONGENITAL, DUE TO INTEGRIN ALPHA-7 DEFICIENCY; Congenital muscular dystrophy with integrin alpha-7 deficiency; Muscular dystrophy, congenital, due to ITGA7 deficiency. Identifiers: Orphanet 34520, MedGen C2750786, MONDO:0013177, OMIM 613204.

Allele frequency attached by ClinVar (database versions not stated): gnomAD exomes 0.00001 and 0.00003; ExAC 0.00009.
gnomAD v4.1: 18 of 1,598,804 alleles (0.0011%); highest among the groups gnomAD compares: South Asian, 0.02%; no homozygotes.

Submission:

Labcorp Genetics (formerly Invitae), Labcorp
Classification: Uncertain significance for Congenital muscular dystrophy due to integrin alpha-7 deficiency. Last evaluated: 2022-07-06. Review status: criteria provided, single submitter. Criteria: Invitae Variant Classification Sherloc (09022015). Collection method: clinical testing. Allele origin: germline.
Comment: This sequence change replaces isoleucine, which is neutral and non-polar, with valine, which is neutral and non-polar, at codon 512 of the ITGA7 protein (p.Ile512Val). In summary, the available evidence is currently insufficient to determine the role of this variant in disease. Therefore, it has been classified as a Variant of Uncertain Significance. Algorithms developed to predict the effect of missense changes on protein structure and function output the following: SIFT: "Tolerated"; PolyPhen-2: "Benign"; Align-GVGD: "Class C0". The valine amino acid residue is found in multiple mammalian species, which suggests that this missense change does not adversely affect protein function. ClinVar contains an entry for this variant (Variation ID: 1015645). This variant has not been reported in the literature in individuals affected with ITGA7-related conditions. This variant is present in population databases (rs767276735, gnomAD 0.03%).